The following is an entry in ClinVar:

NM_024675.4(PALB2):c.752A>G (p.Gln251Arg)

Gene: PALB2 (partner and localizer of BRCA2; minus strand). Cytogenetic location: 16p12.2.
Variant type: single nucleotide variant.
Coding change: c.752A>G on transcript NM_024675.4 (MANE Select); coding-DNA position 752, A replaced by G.
Protein change: p.Gln251Arg; replaces glutamine 251 with arginine.
Molecular consequence: missense variant.
Genome position (GRCh38, 1-based): chr16:23,635,794, T>C on the plus strand (A>G on the coding strand, the complement: PALB2 is on the minus strand). VCF-style: chr16-23635794-T-C. GRCh37 (hg19) VCF-style: chr16-23647115-T-C.
Other names: short protein forms Q251R.
Identifiers: ClinVar variation 421653 (VCV000421653.17), dbSNP rs1064795275, ClinGen allele CA16620156.

ClinVar aggregate classification (germline): Uncertain significance. Review status: criteria provided, multiple submitters, no conflicts (2 of 4 stars). 3 submissions from 3 submitters: Uncertain significance (3). Last evaluated 2025-04-09.

Conditions:
Familial cancer of breast. Also called: Hereditary breast cancer; BREAST CANCER, FAMILIAL; hereditary breast carcinoma. Identifiers: Orphanet 227535, MedGen C0346153, MONDO:0016419, OMIM 114480. Disease mechanism: loss of function.
Hereditary cancer-predisposing syndrome. Also called: Hereditary neoplastic syndrome; Neoplastic Syndromes, Hereditary; Tumor predisposition; Hereditary Cancer Syndrome. Identifiers: Orphanet 140162, MedGen C0027672, MeSH D009386, MONDO:0015356.

Allele frequency attached by ClinVar (database versions not stated): TOPMed below 0.00001.

Submissions (3):

Ambry Genetics
Classification: Uncertain significance for Hereditary cancer-predisposing syndrome. Last evaluated: 2025-04-09. Review status: criteria provided, single submitter. Criteria: Ambry Variant Classification Scheme 2023. Collection method: clinical testing. Allele origin: germline.
Comment: The p.Q251R variant (also known as c.752A>G), located in coding exon 4 of the PALB2 gene, results from an A to G substitution at nucleotide position 752. The glutamine at codon 251 is replaced by arginine, an amino acid with highly similar properties. This amino acid position is poorly conserved in available vertebrate species. In addition, this alteration is predicted to be tolerated by in silico analysis. Since supporting evidence is limited at this time, the clinical significance of this alteration remains unclear.

Labcorp Genetics (formerly Invitae), Labcorp
Classification: Uncertain significance for Familial cancer of breast. Last evaluated: 2024-12-31. Review status: criteria provided, single submitter. Criteria: Invitae Variant Classification Sherloc (09022015). Collection method: clinical testing. Allele origin: germline.
Comment: This sequence change replaces glutamine, which is neutral and polar, with arginine, which is basic and polar, at codon 251 of the PALB2 protein (p.Gln251Arg). This variant is not present in population databases (gnomAD no frequency). This variant has not been reported in the literature in individuals affected with PALB2-related conditions. ClinVar contains an entry for this variant (Variation ID: 421653). An algorithm developed to predict the effect of missense changes on protein structure and function outputs the following: PolyPhen-2: "Benign". The arginine amino acid residue is found in multiple mammalian species, which suggests that this missense change does not adversely affect protein function. In summary, the available evidence is currently insufficient to determine the role of this variant in disease. Therefore, it has been classified as a Variant of Uncertain Significance.

GeneDx
Classification: Uncertain significance. Last evaluated: 2017-07-27. Review status: criteria provided, single submitter. Criteria: GeneDx Variant Classification (06012015). Collection method: clinical testing. Allele origin: germline. Affected: yes.
Comment: This variant is denoted PALB2 c.752A>G at the cDNA level, p.Gln251Arg (Q251R) at the protein level, and results in the change of a Glutamine to an Arginine (CAG>CGG). This variant has not, to our knowledge, been published in the literature as pathogenic or benign. PALB2 Gln251Arg was not observed in large population cohorts (NHLBI Exome Sequencing Project, The 1000 Genomes Consortium 2015, Lek 2016). Since Glutamine and Arginine differ in some properties, this is considered a semi-conservative amino acid substitution. PALB2 Gln251Arg occurs at a position that is not conserved and is located in the region of interaction with BRCA1 (Sy 2009). In silico analyses predict that this variant is unlikely to alter protein structure or function. Based on currently available evidence, it is unclear whether PALB2 Gln251Arg is a pathogenic or benign variant. We consider it to be a variant of uncertain significance.